The following is an entry in ClinVar:

NM_000489.6(ATRX):c.4582C>A (p.Pro1528Thr)

Gene: ATRX (ATRX chromatin remodeler; minus strand). Cytogenetic location: Xq21.1.
Variant type: single nucleotide variant.
Coding change: c.4582C>A on transcript NM_000489.6 (MANE Select); coding-DNA position 4582, C replaced by A.
Protein change: p.Pro1528Thr; replaces proline 1528 with threonine.
Molecular consequence: missense variant.
Genome position (GRCh38, 1-based): chrX:77,636,032, G>T on the plus strand (C>A on the coding strand, the complement: ATRX is on the minus strand). VCF-style: chrX-77636032-G-T. GRCh37 (hg19) VCF-style: chrX-76891523-G-T.
Other names: c.4468C>A, p.Pro1490Thr (NM_138270.5); short protein forms P1490T, P1528T.
Identifiers: ClinVar variation 1316045 (VCV001316045.2), dbSNP rs2148360412, ClinGen allele CA413706003.

ClinVar aggregate classification (germline): Uncertain significance (1 of 4 stars; one submission).

Submission:

GeneDx
Classification: Uncertain significance. Last evaluated: 2019-12-19. Review status: criteria provided, single submitter. Criteria: GeneDx Variant Classification Process June 2021. Collection method: clinical testing. Allele origin: germline. Affected: yes.
Comment: Not observed in large population cohorts (Lek et al., 2016); In silico analysis, which includes protein predictors and evolutionary conservation, supports a deleterious effect; Has not been previously published as pathogenic or benign to our knowledge